The following is an entry in ClinVar:

NM_016247.4(IMPG2):c.2877T>G (p.Ile959Met)

Gene: IMPG2 (interphotoreceptor matrix proteoglycan 2; minus strand). Cytogenetic location: 3q12.3.
Variant type: single nucleotide variant.
Coding change: c.2877T>G on transcript NM_016247.4 (MANE Select); coding-DNA position 2877, T replaced by G.
Protein change: p.Ile959Met; replaces isoleucine 959 with methionine.
Molecular consequence: missense variant.
Genome position (GRCh38, 1-based): chr3:101,242,833, A>C on the plus strand (T>G on the coding strand, the complement: IMPG2 is on the minus strand). VCF-style: chr3-101242833-A-C. GRCh37 (hg19) VCF-style: chr3-100961677-A-C.
Other names: short protein forms I959M.
Identifiers: ClinVar variation 2104810 (VCV002104810.4), dbSNP rs747232346, ClinGen allele CA353853775.

ClinVar aggregate classification (germline): Uncertain significance (1 of 4 stars; one submission).

gnomAD v4.1: 1 of 1,614,086 alleles (0.000062%); highest among the groups gnomAD compares: Non-Finnish European, 0.000085%; no homozygotes.

Submission:

Labcorp Genetics (formerly Invitae), Labcorp
Classification: Uncertain significance. Last evaluated: 2023-05-08. Review status: criteria provided, single submitter. Criteria: Invitae Variant Classification Sherloc (09022015). Collection method: clinical testing. Allele origin: germline.
Comment: This sequence change replaces isoleucine, which is neutral and non-polar, with methionine, which is neutral and non-polar, at codon 959 of the IMPG2 protein (p.Ile959Met). This variant is not present in population databases (gnomAD no frequency). In summary, the available evidence is currently insufficient to determine the role of this variant in disease. Therefore, it has been classified as a Variant of Uncertain Significance. Advanced modeling of protein sequence and biophysical properties (such as structural, functional, and spatial information, amino acid conservation, physicochemical variation, residue mobility, and thermodynamic stability) performed at Invitae indicates that this missense variant is expected to disrupt IMPG2 protein function. ClinVar contains an entry for this variant (Variation ID: 2104810). This variant has not been reported in the literature in individuals affected with IMPG2-related conditions.